The following is an entry in ClinVar:

NM_052947.4(ALPK2):c.2442G>A (p.Thr814=)

Gene: ALPK2 (alpha kinase 2; minus strand). Cytogenetic location: 18q21.31.
Variant type: single nucleotide variant.
Coding change: c.2442G>A on transcript NM_052947.4 (MANE Select); coding-DNA position 2442, G replaced by A.
Protein change: p.Thr814=; no amino-acid change (threonine 814 retained).
Molecular consequence: synonymous variant.
Genome position (GRCh38, 1-based): chr18:58,537,745, C>T on the plus strand (G>A on the coding strand, the complement: ALPK2 is on the minus strand). VCF-style: chr18-58537745-C-T. GRCh37 (hg19) VCF-style: chr18-56204977-C-T.
Identifiers: ClinVar variation 3060683 (VCV003060683.2), dbSNP rs3809971, ClinGen allele CA8977075.
Genomic context (GRCh38, chr18:58,537,745, plus strand): 5'-TTCTTGAGGCGAATATTTATCAACTGGTCTCCCAACAAGAGAATCTATGGTATCAAAACA[C>T]GTTCCTTGGTCACCAGCCTCAAAACACTCCATTGCACACACTGCTTCTCTGTCCCTTGGC-3'
Protein context (NP_443179.3, residues 804-824): MECFEAGDQG[Thr814=]CFDTIDSLVG

ClinVar aggregate classification (germline): Benign (0 of 4 stars; one submission).

Conditions:
ALPK2-related disorder. Also called: ALPK2-related condition.

Allele frequency attached by ClinVar (database versions not stated): 1000 Genomes Project 0.40415; 1000 Genomes Project 30x 0.40709; TOPMed 0.48374; gnomAD 0.49111; ESP Exome Variant Server 0.50531; gnomAD exomes 0.52491.
gnomAD v4.1: 835,336 of 1,603,916 alleles (52%); highest among the groups gnomAD compares: Non-Finnish European, 56%; 223,503 homozygotes.

Submission:

PreventionGenetics, part of Exact Sciences
Classification: Benign for ALPK2-related condition. Last evaluated: 2019-10-17. Review status: no assertion criteria provided. Collection method: clinical testing. Allele origin: germline.
Comment: This variant is classified as benign based on ACMG/AMP sequence variant interpretation guidelines (Richards et al. 2015 PMID: 25741868, with internal and published modifications).